The following is an entry in ClinVar:

ClinVar aggregate classification (germline): Uncertain significance (1 of 4 stars; one submission).

Conditions:
Leukodystrophy, hypomyelinating, 6. Also called: LEUKODYSTROPHY, HYPOMYELINATING, WITH ATROPHY OF THE BASAL GANGLIA AND CEREBELLUM; TUBB4A-Associated Leukodystrophy; Hypomyelination with Atrophy of Basal Ganglia and Cerebellum (H-ABC). Identifiers: Orphanet 139441, MedGen C2676244, MONDO:0012905, OMIM 612438.

Allele frequency attached by ClinVar (database versions not stated): ExAC 0.00001; gnomAD 0.00001; gnomAD exomes 0.00001; TOPMed 0.00001.

Submission:

Labcorp Genetics (formerly Invitae), Labcorp
Classification: Uncertain significance for Leukodystrophy, hypomyelinating, 6. Last evaluated: 2023-04-13. Review status: criteria provided, single submitter. Criteria: Invitae Variant Classification Sherloc (09022015). Collection method: clinical testing. Allele origin: germline.
Comment: In summary, the available evidence is currently insufficient to determine the role of this variant in disease. Therefore, it has been classified as a Variant of Uncertain Significance. Advanced modeling of protein sequence and biophysical properties (such as structural, functional, and spatial information, amino acid conservation, physicochemical variation, residue mobility, and thermodynamic stability) performed at Invitae indicates that this missense variant is not expected to disrupt TUBB4A protein function. This variant has not been reported in the literature in individuals affected with TUBB4A-related conditions. The frequency data for this variant in the population databases is considered unreliable, as metrics indicate poor data quality at this position in the gnomAD database. This sequence change replaces methionine, which is neutral and non-polar, with leucine, which is neutral and non-polar, at codon 406 of the TUBB4A protein (p.Met406Leu).

NM_006087.4(TUBB4A):c.1216A>T (p.Met406Leu)

Gene: TUBB4A (tubulin beta 4A class IVa; minus strand). Cytogenetic location: 19p13.3.
Variant type: single nucleotide variant.
Coding change: c.1216A>T on transcript NM_006087.4 (MANE Select); coding-DNA position 1216, A replaced by T.
Protein change: p.Met406Leu; replaces methionine 406 with leucine.
Molecular consequence: missense variant.
Genome position (GRCh38, 1-based): chr19:6,495,283, T>A on the plus strand (A>T on the coding strand, the complement: TUBB4A is on the minus strand). VCF-style: chr19-6495283-T-A. GRCh37 (hg19) VCF-style: chr19-6495294-T-A.
Other names: c.1369A>T, p.Met457Leu (NM_001289123.2); c.1351A>T, p.Met451Leu (NM_001289127.2); c.1216A>T, p.Met406Leu (NM_001289129.2); c.1000A>T, p.Met334Leu (NM_001289130.2, NM_001289131.2); short protein forms M334L, M451L, M457L, M406L.
Identifiers: ClinVar variation 2723541 (VCV002723541.3), dbSNP rs779011957, ClinGen allele CA9127253.